The following is an entry in ClinVar:

ClinVar aggregate classification (germline): Uncertain significance. Review status: criteria provided, multiple submitters, no conflicts (2 of 4 stars). 4 submissions from 4 submitters: Uncertain significance (4). Last evaluated 2026-01-21.

Conditions:
Dystonia 12 (DYT12). Also called: Rapid-Onset Dystonia-Parkinsonism (RDP); DYT-ATP1A3. Identifiers: Orphanet 71517, MedGen C1868681, MONDO:0007496, OMIM 128235.
Inborn genetic diseases. Identifiers: MedGen C0950123, MeSH D030342.

Allele frequency attached by ClinVar (database versions not stated): gnomAD exomes below 0.00001; TOPMed below 0.00001; gnomAD 0.00001.
gnomAD v4.1: 9 of 1,613,994 alleles (0.00056%); highest among the groups gnomAD compares: East Asian, 0.0022%; no homozygotes.

Submissions (4):

Ambry Genetics
Classification: Uncertain significance for Inborn genetic diseases. Last evaluated: 2026-01-21. Review status: criteria provided, single submitter. Criteria: Ambry Variant Classification Scheme 2023. Collection method: clinical testing. Allele origin: germline.
Comment: The c.1942C>T (p.R648W) alteration is located in exon 14 (coding exon 14) of the ATP1A3 gene. This alteration results from a C to T substitution at nucleotide position 1942, causing the arginine (R) at amino acid position 648 to be replaced by a tryptophan (W). Based on data from gnomAD, the T allele has an overall frequency of 0.001% (2/282698) total alleles studied. The highest observed frequency was 0.005% (1/19952) of East Asian alleles. Based on insufficient or conflicting evidence, the clinical significance of this alteration remains unclear.

GeneDx
Classification: Uncertain significance. Last evaluated: 2024-04-26. Review status: criteria provided, single submitter. Criteria: GeneDx Variant Classification Process June 2021. Collection method: clinical testing. Allele origin: germline. Affected: yes.
Comment: In silico analysis supports that this missense variant has a deleterious effect on protein structure/function; Has not been previously published as pathogenic or benign to our knowledge

Labcorp Genetics (formerly Invitae), Labcorp
Classification: Uncertain significance for Dystonia 12. Last evaluated: 2023-11-12. Review status: criteria provided, single submitter. Criteria: Invitae Variant Classification Sherloc (09022015). Collection method: clinical testing. Allele origin: germline.
Comment: This sequence change replaces arginine, which is basic and polar, with tryptophan, which is neutral and slightly polar, at codon 648 of the ATP1A3 protein (p.Arg648Trp). This variant is present in population databases (no rsID available, gnomAD 0.005%). This variant has not been reported in the literature in individuals affected with ATP1A3-related conditions. ClinVar contains an entry for this variant (Variation ID: 1677449). An algorithm developed to predict the effect of missense changes on protein structure and function (PolyPhen-2) suggests that this variant is likely to be disruptive. In summary, the available evidence is currently insufficient to determine the role of this variant in disease. Therefore, it has been classified as a Variant of Uncertain Significance.

AiLife Diagnostics
Classification: Uncertain significance. Last evaluated: 2021-08-18. Review status: criteria provided, single submitter. Criteria: ACMG Guidelines, 2015. Collection method: clinical testing. Allele origin: germline. Affected: yes. Observed: 1 variant allele.

NM_152296.5(ATP1A3):c.1942C>T (p.Arg648Trp)

Gene: ATP1A3 (ATPase Na+/K+ transporting subunit alpha 3; minus strand). Cytogenetic location: 19q13.2.
Variant type: single nucleotide variant.
Coding change: c.1942C>T on transcript NM_152296.5 (MANE Select); coding-DNA position 1942, C replaced by T.
Protein change: p.Arg648Trp; replaces arginine 648 with tryptophan.
Molecular consequence: missense variant.
Genome position (GRCh38, 1-based): chr19:41,977,937, G>A on the plus strand (C>T on the coding strand, the complement: ATP1A3 is on the minus strand). VCF-style: chr19-41977937-G-A. GRCh37 (hg19) VCF-style: chr19-42482089-G-A.
Other names: c.1942C>T (NM_152296.4, NM_152296.3); c.1975C>T, p.Arg659Trp (NM_001256213.2); c.1981C>T, p.Arg661Trp (NM_001256214.2); short protein forms R648W, R659W, R661W.
Identifiers: ClinVar variation 1677449 (VCV001677449.6), dbSNP rs1555861935, ClinGen allele CA406044781.